The following is an entry in ClinVar:

NM_177438.3(DICER1):c.4675A>G (p.Ile1559Val)

Gene: DICER1 (dicer 1, ribonuclease III; minus strand). Cytogenetic location: 14q32.13.
Variant type: single nucleotide variant.
Coding change: c.4675A>G on transcript NM_177438.3 (MANE Select); coding-DNA position 4675, A replaced by G.
Protein change: p.Ile1559Val; replaces isoleucine 1559 with valine.
Molecular consequence: missense variant.
Genome position (GRCh38, 1-based): chr14:95,096,245, T>C on the plus strand (A>G on the coding strand, the complement: DICER1 is on the minus strand). VCF-style: chr14-95096245-T-C. GRCh37 (hg19) VCF-style: chr14-95562582-T-C.
Other names: c.4675A>G, p.Ile1559Val (NM_001195573.1, NM_001271282.3, NM_001291628.2 and 1 more transcripts); short protein forms I1559V.
Identifiers: ClinVar variation 664082 (VCV000664082.14), dbSNP rs377409989, ClinGen allele CA265898070.
Genomic context (GRCh38, chr14:95,096,245, plus strand): 5'-CAGCCCTCTCCCCACAGCTGGTTAAATAGCAGCCCAGCAGGGCTTCCACACAGTCCGCTA[T>C]GCTTTTGTCAGCAATACACTGCTCAGTGTGCAAGTCGTAAGAAATGGACTGCTTTCCCGT-3'
Protein context (NP_803187.1, residues 1549-1569): HTEQCIADKS[Ile1559Val]ADCVEALLGC

ClinVar aggregate classification (germline): Uncertain significance. Review status: criteria provided, multiple submitters, no conflicts (2 of 4 stars). 3 submissions from 3 submitters: Uncertain significance (3). Last evaluated 2025-11-27.

Conditions:
Hereditary cancer-predisposing syndrome. Also called: Neoplastic Syndromes, Hereditary; Hereditary neoplastic syndrome; Tumor predisposition; Hereditary Cancer Syndrome. Identifiers: Orphanet 140162, MedGen C0027672, MeSH D009386, MONDO:0015356.
Pleuropulmonary blastoma (PPB). Identifiers: Orphanet 64742, MedGen C1266144, MONDO:0011014, OMIM 601200, HP:0100528.
DICER1-related tumor predisposition. Also called: DICER1 syndrome; DICER1-related pleuropulmonary blastoma cancer predisposition syndrome. Identifiers: Orphanet 284343, MedGen C3839822, MONDO:0100216.

Allele frequency attached by ClinVar (database versions not stated): gnomAD 0.00001; TOPMed 0.00001; ESP Exome Variant Server 0.00008.
gnomAD v4.1: 2 of 1,614,126 alleles (0.00012%); highest among the groups gnomAD compares: African/African-American, 0.0027%; no homozygotes.

Submissions (3):

Labcorp Genetics (formerly Invitae), Labcorp
Classification: Uncertain significance for DICER1-related tumor predisposition. Last evaluated: 2025-11-27. Review status: criteria provided, single submitter. Criteria: Invitae Variant Classification Sherloc (09022015). Collection method: clinical testing. Allele origin: germline.
Comment: This sequence change replaces isoleucine, which is neutral and non-polar, with valine, which is neutral and non-polar, at codon 1559 of the DICER1 protein (p.Ile1559Val). This variant is not present in population databases (gnomAD no frequency). This variant has not been reported in the literature in individuals affected with DICER1-related conditions. ClinVar contains an entry for this variant (Variation ID: 664082). Invitae Evidence Modeling of protein sequence and biophysical properties (such as structural, functional, and spatial information, amino acid conservation, physicochemical variation, residue mobility, and thermodynamic stability) has been performed for this missense variant. However, the output from this modeling did not meet the statistical confidence thresholds required to predict the impact of this variant on DICER1 protein function. In summary, the available evidence is currently insufficient to determine the role of this variant in disease. Therefore, it has been classified as a Variant of Uncertain Significance.

Ambry Genetics
Classification: Uncertain significance for Hereditary cancer-predisposing syndrome. Last evaluated: 2023-12-06. Review status: criteria provided, single submitter. Criteria: Ambry Variant Classification Scheme 2023. Collection method: clinical testing. Allele origin: germline.
Comment: The p.I1559V variant (also known as c.4675A>G), located in coding exon 22 of the DICER1 gene, results from an A to G substitution at nucleotide position 4675. The isoleucine at codon 1559 is replaced by valine, an amino acid with highly similar properties. This amino acid position is highly conserved in available vertebrate species. In addition, the in silico prediction for this alteration is inconclusive. Since supporting evidence is limited at this time, the clinical significance of this alteration remains unclear.

St. Jude Molecular Pathology, St. Jude Children's Research Hospital
Classification: Uncertain significance for Pleuropulmonary blastoma. Last evaluated: 2023-07-11. Review status: criteria provided, single submitter. Criteria: St. Jude Assertion Criteria 2020. Collection method: clinical testing. Allele origin: germline.
Comment: The DICER1 c.4675A>G (p.Ile1559Val) missense change is absent in gnomAD v2.1.1. The in silico tool REVEL predicts a benign effect on protein function and no splicing effects are predicted, but to our knowledge these predictions have not been confirmed by functional studies. To our knowledge, this variant has not been reported in individuals with DICER1-associated tumors. In summary, the evidence currently available is insufficient to determine the clinical significance of this variant. It has therefore been classified as of uncertain significance.